The following is an entry in ClinVar:

NC_000001.11:g.226917609G>A

Gene: PSEN2 (presenilin 2; plus strand). Cytogenetic location: 1q42.13.
Variant type: single nucleotide variant.
Genome position: GRCh38 VCF-style: chr1-226917609-G-A. GRCh37 (hg19) VCF-style: chr1-227105310-G-A.
Identifiers: ClinVar variation 3238991 (VCV003238991.19), dbSNP rs761534647.

ClinVar aggregate classification (germline): Likely benign (1 of 4 stars; one submission).

Allele frequency attached by ClinVar (database versions not stated): TOPMed 0.00014; gnomAD 0.00015.

Submission:

CeGaT Center for Human Genetics Tuebingen
Classification: Likely benign. Last evaluated: 2024-05-01. Review status: criteria provided, single submitter. Criteria: CeGaT Center For Human Genetics Tuebingen Variant Classification Criteria Version 2. Collection method: clinical testing. Allele origin: germline. Affected: yes. Observed: 1 variant allele.
Comment: PSEN2: BS1